The following is an entry in ClinVar:

ClinVar aggregate classification (germline): Uncertain significance (1 of 4 stars; one submission).

Conditions:
Neurofibromatosis, type 1 (NF1). Also called: Neurofibromatosis, type I; VON RECKLINGHAUSEN DISEASE; Peripheral type neurofibromatosis; NEUROFIBROMATOSIS, TYPE I, SOMATIC. Identifiers: Orphanet 636, MedGen C0027831, MONDO:0018975, OMIM 162200. Disease mechanism: loss of function.

Submission:

Labcorp Genetics (formerly Invitae), Labcorp
Classification: Uncertain significance for Neurofibromatosis, type 1. Last evaluated: 2022-11-13. Review status: criteria provided, single submitter. Criteria: Invitae Variant Classification Sherloc (09022015). Collection method: clinical testing. Allele origin: germline.
Comment: This sequence change replaces serine, which is neutral and polar, with cysteine, which is neutral and slightly polar, at codon 2666 of the NF1 protein (p.Ser2666Cys). This variant is not present in population databases (gnomAD no frequency). This variant has not been reported in the literature in individuals affected with NF1-related conditions. ClinVar contains an entry for this variant (Variation ID: 854761). Advanced modeling of protein sequence and biophysical properties (such as structural, functional, and spatial information, amino acid conservation, physicochemical variation, residue mobility, and thermodynamic stability) has been performed at Invitae for this missense variant, however the output from this modeling did not meet the statistical confidence thresholds required to predict the impact of this variant on NF1 protein function. In summary, the available evidence is currently insufficient to determine the role of this variant in disease. Therefore, it has been classified as a Variant of Uncertain Significance.

NM_001042492.3(NF1):c.8059A>T (p.Ser2687Cys)

Gene: NF1 (neurofibromin 1; plus strand). Cytogenetic location: 17q11.2.
Variant type: single nucleotide variant.
Coding change: c.8059A>T on transcript NM_001042492.3 (MANE Select); coding-DNA position 8059, A replaced by T.
Protein change: p.Ser2687Cys; replaces serine 2687 with cysteine.
Molecular consequence: missense variant.
Genome position (GRCh38, 1-based): chr17:31,358,568, A>T. VCF-style: chr17-31358568-A-T. GRCh37 (hg19) VCF-style: chr17-29685586-A-T.
Other names: c.7996A>T, p.Ser2666Cys (NM_000267.4); short protein forms S2687C, S2666C.
Identifiers: ClinVar variation 854761 (VCV000854761.6), dbSNP rs2070327470, ClinGen allele CA399203810.
Genomic context (GRCh38, chr17:31,358,568, plus strand): 5'-ACCCTGTTATCATTGTGCCAAGATCCAAATTTGTTAAATCCAATCCATGGAATTGTGCAG[A>T]GTGTGGTGTACCATGAAGAATCCCCACCACAATACCAAACATCTTACCTGCAAAGTAAAT-3'
Protein context (NP_001035957.1, residues 2677-2697): LLNPIHGIVQ[Ser2687Cys]VVYHEESPPQ